The following is an entry in ClinVar:

ClinVar aggregate classification (germline): Uncertain significance (1 of 4 stars; one submission).

Conditions:
Rubinstein-Taybi syndrome (RSTS). Identifiers: Orphanet 783, MedGen C0035934, MONDO:0019188.

gnomAD v4.1: 2 of 1,614,102 alleles (0.00012%); highest among the groups gnomAD compares: Non-Finnish European, 0.000085%; no homozygotes.

Submission:

Labcorp Genetics (formerly Invitae), Labcorp
Classification: Uncertain significance for Rubinstein-Taybi syndrome. Last evaluated: 2024-05-18. Review status: criteria provided, single submitter. Criteria: Invitae Variant Classification Sherloc (09022015). Collection method: clinical testing. Allele origin: germline.
Comment: This sequence change replaces proline, which is neutral and non-polar, with leucine, which is neutral and non-polar, at codon 880 of the CREBBP protein (p.Pro880Leu). This variant is not present in population databases (gnomAD no frequency). This variant has not been reported in the literature in individuals affected with CREBBP-related conditions. Advanced modeling of protein sequence and biophysical properties (such as structural, functional, and spatial information, amino acid conservation, physicochemical variation, residue mobility, and thermodynamic stability) performed at Invitae indicates that this missense variant is not expected to disrupt CREBBP protein function with a negative predictive value of 80%. In summary, the available evidence is currently insufficient to determine the role of this variant in disease. Therefore, it has been classified as a Variant of Uncertain Significance.

NM_004380.3(CREBBP):c.2639C>T (p.Pro880Leu)

Gene: CREBBP (CREB binding lysine acetyltransferase; minus strand). Cytogenetic location: 16p13.3.
Variant type: single nucleotide variant.
Coding change: c.2639C>T on transcript NM_004380.3 (MANE Select); coding-DNA position 2639, C replaced by T.
Protein change: p.Pro880Leu; replaces proline 880 with leucine.
Molecular consequence: missense variant.
Genome position (GRCh38, 1-based): chr16:3,770,811, G>A on the plus strand (C>T on the coding strand, the complement: CREBBP is on the minus strand). VCF-style: chr16-3770811-G-A. GRCh37 (hg19) VCF-style: chr16-3820812-G-A.
Other names: c.2525C>T, p.Pro842Leu (NM_001079846.1); short protein forms P842L, P880L.
Identifiers: ClinVar variation 3623807 (VCV003623807.2).